The following is an entry in ClinVar:

NM_022552.5(DNMT3A):c.2248C>A (p.Pro750Thr)

Gene: DNMT3A (DNA methyltransferase 3 alpha; minus strand). Cytogenetic location: 2p23.3.
Variant type: single nucleotide variant.
Coding change: c.2248C>A on transcript NM_022552.5 (MANE Select); coding-DNA position 2248, C replaced by A.
Protein change: p.Pro750Thr; replaces proline 750 with threonine.
Molecular consequence: missense variant. On other transcripts: non-coding transcript variant (1).
Genome position (GRCh38, 1-based): chr2:25,240,376, G>T on the plus strand (C>A on the coding strand, the complement: DNMT3A is on the minus strand). VCF-style: chr2-25240376-G-T. GRCh37 (hg19) VCF-style: chr2-25463245-G-T.
Other names: c.1792C>A, p.Pro598Thr (NM_001320893.1); c.1579C>A, p.Pro527Thr (NM_001375819.1); c.1681C>A, p.Pro561Thr (NM_153759.3); c.2248C>A, p.Pro750Thr (NM_175629.2); short protein forms P527T, P561T, P598T, P750T.
Identifiers: ClinVar variation 4013927 (VCV004013927.1).

ClinVar aggregate classification (germline): Uncertain significance (1 of 4 stars; one submission).

Conditions:
Inborn genetic diseases. Identifiers: MedGen C0950123, MeSH D030342.

Submission:

Ambry Genetics
Classification: Uncertain significance for Inborn genetic diseases. Last evaluated: 2025-05-11. Review status: criteria provided, single submitter. Criteria: Ambry Variant Classification Scheme 2023. Collection method: clinical testing. Allele origin: germline.
Comment: The p.P750T variant (also known as c.2248C>A), located in coding exon 18 of the DNMT3A gene, results from a C to A substitution at nucleotide position 2248. The proline at codon 750 is replaced by threonine, an amino acid with highly similar properties. This amino acid position is conserved. In addition, this alteration is predicted to be deleterious by in silico analysis. Based on the available evidence, the clinical significance of this variant remains unclear.